The following is an entry in ClinVar:

NM_015271.5(TRIM2):c.121C>T (p.Arg41Cys)

Gene: TRIM2 (tripartite motif containing 2; plus strand). Cytogenetic location: 4q31.3.
Variant type: single nucleotide variant.
Coding change: c.121C>T on transcript NM_015271.5 (MANE Select); coding-DNA position 121, C replaced by T.
Protein change: p.Arg41Cys; replaces arginine 41 with cysteine.
Molecular consequence: missense variant. On other transcripts: 5 prime UTR variant (3), intron variant (1).
Genome position (GRCh38, 1-based): chr4:153,270,425, C>T. VCF-style: chr4-153270425-C-T. GRCh37 (hg19) VCF-style: chr4-154191577-C-T.
Other names: c.40C>T, p.Arg14Cys (NM_001130067.2, NM_001351056.2, NM_001375512.1 and 5 more transcripts); c.121C>T, p.Arg41Cys (NM_001302692.2, NM_001375488.1, NM_001375490.1 and 1 more transcripts); c.118C>T, p.Arg40Cys (NM_001302693.2, NM_001375489.1, NM_001375491.1 and 1 more transcripts); c.94C>T, p.Arg32Cys (NM_001302694.2, NM_001351054.2); c.91C>T, p.Arg31Cys (NM_001351055.2); c.-437C>T (NM_001351057.2); c.-169C>T (NM_001375522.1, NM_001375523.1); c.-124-5468C>T (NM_001375525.1); and 1 more; short protein forms R32C, R40C, R41C, R14C, R31C.
Identifiers: ClinVar variation 935743 (VCV000935743.9), dbSNP rs763080800, ClinGen allele CA3108477.

ClinVar aggregate classification (germline): Uncertain significance. Review status: criteria provided, multiple submitters, no conflicts (2 of 4 stars). 3 submissions from 3 submitters: Uncertain significance (3). Last evaluated 2026-02-19.

Conditions:
Charcot-Marie-Tooth disease type 2R. Also called: CHARCOT-MARIE-TOOTH DISEASE, AXONAL, AUTOSOMAL RECESSIVE, TYPE 2R; Charcot-Marie-Tooth disease, axonal, type 2R; CHARCOT-MARIE-TOOTH NEUROPATHY, TYPE 2R. Identifiers: Orphanet 397968, MedGen C3809655, MONDO:0014208, OMIM 615490.

Allele frequency attached by ClinVar (database versions not stated): TOPMed 0.00001; ExAC 0.00002; gnomAD exomes 0.00002.
gnomAD v4.1: 41 of 1,613,982 alleles (0.0025%); highest among the groups gnomAD compares: South Asian, 0.0066%; no homozygotes.

Submissions (3):

GeneDx
Classification: Uncertain significance. Last evaluated: 2026-02-19. Review status: criteria provided, single submitter. Criteria: GeneDx Variant Classification Process June 2021. Collection method: clinical testing. Allele origin: germline.
Comment: In silico analysis supports that this missense variant has a deleterious effect on protein structure/function; Has not been previously published as pathogenic or benign to our knowledge

Ambry Genetics
Classification: Uncertain significance. Last evaluated: 2025-10-18. Review status: criteria provided, single submitter. Criteria: Ambry Variant Classification Scheme 2023. Collection method: clinical testing. Allele origin: germline.

Labcorp Genetics (formerly Invitae), Labcorp
Classification: Uncertain significance for Charcot-Marie-Tooth disease type 2R. Last evaluated: 2025-05-27. Review status: criteria provided, single submitter. Criteria: Invitae Variant Classification Sherloc (09022015). Collection method: clinical testing. Allele origin: germline.
Comment: This sequence change replaces arginine, which is basic and polar, with cysteine, which is neutral and slightly polar, at codon 14 of the TRIM2 protein (p.Arg14Cys). This variant is present in population databases (rs763080800, gnomAD 0.01%). This variant has not been reported in the literature in individuals affected with TRIM2-related conditions. ClinVar contains an entry for this variant (Variation ID: 935743). An algorithm developed to predict the effect of missense changes on protein structure and function (PolyPhen-2) suggests that this variant is likely to be tolerated. In summary, the available evidence is currently insufficient to determine the role of this variant in disease. Therefore, it has been classified as a Variant of Uncertain Significance.